The following is an entry in ClinVar:

ClinVar aggregate classification (germline): Pathogenic (1 of 4 stars; one submission).

Conditions:
Hereditary cancer-predisposing syndrome. Also called: Hereditary neoplastic syndrome; Neoplastic Syndromes, Hereditary; Hereditary Cancer Syndrome; Tumor predisposition. Identifiers: Orphanet 140162, MedGen C0027672, MeSH D009386, MONDO:0015356.

Submission:

GeneDx
Classification: Pathogenic for Neoplastic Syndromes, Hereditary. Last evaluated: 2014-01-23. Review status: criteria provided, single submitter. Criteria: GeneDx Variant Classification (06012015). Collection method: clinical testing. Allele origin: germline. Affected: yes.
Comment: This variant is denoted CHEK2 c.581delG at the cDNA level and p.Ser194ThrfsX11 (S194TfsX11) at the protein level. The normal sequence, with the base that is deleted in brackets, is CTAA[delG]CAGA. The deletion causes a frameshift, which changes a Serine to a Threonine at codon 194 in exon 4, and creates a premature stop codon at position 11 of the new reading frame. This mutation is predicted to cause loss of normal protein function through either protein truncation or nonsense-mediated mRNA decay. Although this mutation has not been previously reported to our knowledge, it is considered pathogenic. The variant is found in BR-OV-HEREDIC panel(s).

NM_007194.4(CHEK2):c.581del (p.Ser194fs)

Gene: CHEK2 (checkpoint kinase 2; minus strand). Cytogenetic location: 22q12.1.
Variant type: Deletion.
Coding change: c.581del on transcript NM_007194.4 (MANE Select); coding-DNA position 581, one base deleted (G; older notation c.581delG).
Protein change: p.Ser194fs; shifts the reading frame from serine 194.
Molecular consequence: frameshift variant. On other transcripts: 5 prime UTR variant (2), intron variant (1).
Genome position (GRCh38, 1-based): chr22:28,724,988, C deleted on the plus strand (G on the coding strand, the reverse complement: CHEK2 is on the minus strand). VCF-style (leftmost placement, unchanged base first): chr22-28724987-GC-G. GRCh37 (hg19) VCF-style: chr22-29120975-GC-G.
Other names: c.710del, p.Ser237fs (NM_001005735.3, NM_001438294.1); c.-197del (NM_001257387.3); c.-83del (NM_001437942.1); c.674del, p.Ser225fs (NM_001438293.1, NM_001438295.1); c.581del, p.Ser194fs (NM_145862.3); c.445-65del (NM_001349956.3); short protein forms S194fs, S237fs, S225fs.
Identifiers: ClinVar variation 128083 (VCV000128083.1), dbSNP rs587780186, ClinGen allele CA288321.